The following is an entry in ClinVar:

ClinVar aggregate classification (germline): Uncertain significance (1 of 4 stars; one submission).

Allele frequency attached by ClinVar (database versions not stated): gnomAD exomes below 0.00001 and 0.00001; gnomAD 0.00001; ExAC 0.00005; 1000 Genomes Project 30x 0.00016; 1000 Genomes Project 0.00020.

Submission:

Labcorp Genetics (formerly Invitae), Labcorp
Classification: Uncertain significance. Last evaluated: 2021-03-06. Review status: criteria provided, single submitter. Criteria: Invitae Variant Classification Sherloc (09022015). Collection method: clinical testing. Allele origin: germline.
Comment: Algorithms developed to predict the effect of missense changes on protein structure and function do not agree on the potential impact of this missense change (SIFT: "Deleterious"; PolyPhen-2: "Benign"; Align-GVGD: "Class C15"). In summary, the available evidence is currently insufficient to determine the role of this variant in disease. Therefore, it has been classified as a Variant of Uncertain Significance. This variant has not been reported in the literature in individuals with KPNA7-related disease. This sequence change replaces threonine with isoleucine at codon 396 of the KPNA7 protein (p.Thr396Ile). The threonine residue is moderately conserved and there is a moderate physicochemical difference between threonine and isoleucine. This variant is present in population databases (rs533683035, ExAC 0.2%).

NM_001145715.3(KPNA7):c.1187C>T (p.Thr396Ile)

Gene: KPNA7 (karyopherin subunit alpha 7; minus strand). Cytogenetic location: 7q22.1.
Variant type: single nucleotide variant.
Coding change: c.1187C>T on transcript NM_001145715.3 (MANE Select); coding-DNA position 1187, C replaced by T.
Protein change: p.Thr396Ile; replaces threonine 396 with isoleucine.
Molecular consequence: missense variant.
Genome position (GRCh38, 1-based): chr7:99,182,013, G>A on the plus strand (C>T on the coding strand, the complement: KPNA7 is on the minus strand). VCF-style: chr7-99182013-G-A. GRCh37 (hg19) VCF-style: chr7-98779636-G-A.
Other names: short protein forms T396I.
Identifiers: ClinVar variation 1008334 (VCV001008334.9), dbSNP rs533683035, ClinGen allele CA4363132.